The following is an entry in ClinVar:

ClinVar aggregate classification (germline): Uncertain significance (1 of 4 stars; one submission).

Submission:

Labcorp Genetics (formerly Invitae), Labcorp
Classification: Uncertain significance. Last evaluated: 2022-08-09. Review status: criteria provided, single submitter. Criteria: Invitae Variant Classification Sherloc (09022015). Collection method: clinical testing. Allele origin: germline.
Comment: In summary, the available evidence is currently insufficient to determine the role of this variant in disease. Therefore, it has been classified as a Variant of Uncertain Significance. This variant disrupts the p.Ala391 amino acid residue in FGFR3. Other variant(s) that disrupt this residue have been determined to be pathogenic (PMID: 7493034, 8880573, 11426459, 18976668, 20199409, 21536014, 23437153). This suggests that this residue is clinically significant, and that variants that disrupt this residue are likely to be disease-causing. Algorithms developed to predict the effect of missense changes on protein structure and function output the following: SIFT: "Tolerated"; PolyPhen-2: "Benign"; Align-GVGD: "Class C0". The glycine amino acid residue is found in multiple mammalian species, which suggests that this missense change does not adversely affect protein function. This variant has not been reported in the literature in individuals affected with FGFR3-related conditions. This variant is not present in population databases (gnomAD no frequency). This sequence change replaces alanine, which is neutral and non-polar, with glycine, which is neutral and non-polar, at codon 391 of the FGFR3 protein (p.Ala391Gly).

Literature cited by the submitters: PubMed 7493034; PubMed 8880573; PubMed 11426459; PubMed 18976668; PubMed 20199409; PubMed 21536014; PubMed 23437153.

NM_000142.5(FGFR3):c.1172C>G (p.Ala391Gly)

Gene: FGFR3 (fibroblast growth factor receptor 3; plus strand). Cytogenetic location: 4p16.3.
Variant type: single nucleotide variant.
Coding change: c.1172C>G on transcript NM_000142.5 (MANE Select); coding-DNA position 1172, C replaced by G.
Protein change: p.Ala391Gly; replaces alanine 391 with glycine.
Molecular consequence: missense variant. On other transcripts: non-coding transcript variant (1), intron variant (1).
Genome position (GRCh38, 1-based): chr4:1,804,426, C>G. VCF-style: chr4-1804426-C-G. GRCh37 (hg19) VCF-style: chr4-1806153-C-G.
Other names: c.1178C>G, p.Ala393Gly (NM_001163213.2); c.1172C>G, p.Ala391Gly (NM_001354809.2, NM_001354810.2); c.931-398C>G (NM_022965.4); short protein forms A391G, A393G.
Identifiers: ClinVar variation 2023089 (VCV002023089.4), dbSNP rs28931615, ClinGen allele CA355979161.
Genomic context (GRCh38, chr4:1,804,426, plus strand): 5'-GTGTGTATGCAGGCATCCTCAGCTACGGGGTGGGCTTCTTCCTGTTCATCCTGGTGGTGG[C>G]GGCTGTGACGCTCTGCCGCCTGCGCAGCCCCCCCAAGAAAGGCCTGGGCTCCCCCACCGT-3'
Protein context (NP_000133.1, residues 381-401): VGFFLFILVV[Ala391Gly]AVTLCRLRSP